The following is an entry in ClinVar:

ClinVar aggregate classification (germline): Likely pathogenic (1 of 4 stars; one submission).

Submission:

CeGaT Center for Human Genetics Tuebingen
Classification: Likely pathogenic. Last evaluated: 2025-01-01. Review status: criteria provided, single submitter. Criteria: CeGaT Center For Human Genetics Tuebingen Variant Classification Criteria Version 2. Collection method: clinical testing. Allele origin: germline. Affected: yes. Observed: 1 variant allele.
Comment: FBN1: PS2, PM2, PVS1:Moderate, PS1:Supporting

NM_000138.5(FBN1):c.2677+1G>T

Gene: FBN1 (fibrillin 1; minus strand). Cytogenetic location: 15q21.1.
Variant type: single nucleotide variant.
Coding change: c.2677+1G>T on transcript NM_000138.5 (MANE Select); the canonical splice donor site of the intron after coding-DNA position 2677, G replaced by T.
Molecular consequence: splice donor variant.
Genome position (GRCh38, 1-based): chr15:48,495,122, C>A on the plus strand (G>T on the coding strand, the complement: FBN1 is on the minus strand). VCF-style: chr15-48495122-C-A. GRCh37 (hg19) VCF-style: chr15-48787319-C-A.
Other names: c.2677+1G>T (NM_001406716.1).
Identifiers: ClinVar variation 3772224 (VCV003772224.13).